The following is an entry in ClinVar:

ClinVar aggregate classification (germline): Uncertain significance. Review status: criteria provided, multiple submitters, no conflicts (2 of 4 stars). 6 submissions from 6 submitters: Uncertain significance (5). 1 of the submissions does not count toward it. Last evaluated 2024-09-11.

Conditions:
Usher syndrome type 1F (USH1F). Also called: USHER SYNDROME, TYPE IF. Identifiers: Orphanet 231169, Orphanet 886, MedGen C1865885, MONDO:0011186, OMIM 602083.
Inborn genetic diseases. Identifiers: MedGen C0950123, MeSH D030342.

Allele frequency attached by ClinVar (database versions not stated): gnomAD exomes below 0.00001 and 0.00002; ExAC 0.00001; TOPMed 0.00006.
gnomAD v4.1: 15 of 1,613,488 alleles (0.00093%); highest among the groups gnomAD compares: East Asian, 0.0045%; no homozygotes.

Submissions (6):

Blueprint Genetics
Classification: Uncertain significance. Last evaluated: 2024-09-11. Review status: criteria provided, single submitter. Criteria: ACMG Guidelines, 2015. Collection method: clinical testing. Allele origin: germline.

Ambry Genetics
Classification: Uncertain significance for Inborn genetic diseases. Last evaluated: 2023-12-18. Review status: criteria provided, single submitter. Criteria: Ambry Variant Classification Scheme 2023. Collection method: clinical testing. Allele origin: germline.

Labcorp Genetics (formerly Invitae), Labcorp
Classification: Uncertain significance. Last evaluated: 2022-08-16. Review status: criteria provided, single submitter. Criteria: Invitae Variant Classification Sherloc (09022015). Collection method: clinical testing. Allele origin: germline.
Comment: This sequence change replaces threonine, which is neutral and polar, with alanine, which is neutral and non-polar, at codon 436 of the PCDH15 protein (p.Thr436Ala). This variant is present in population databases (rs747795209, gnomAD 0.02%). This variant has not been reported in the literature in individuals affected with PCDH15-related conditions. ClinVar contains an entry for this variant (Variation ID: 990890). Algorithms developed to predict the effect of missense changes on protein structure and function are either unavailable or do not agree on the potential impact of this missense change (SIFT: "Tolerated"; PolyPhen-2: "Possibly Damaging"; Align-GVGD: "Class C0"). In summary, the available evidence is currently insufficient to determine the role of this variant in disease. Therefore, it has been classified as a Variant of Uncertain Significance.

Laboratory for Molecular Medicine, Mass General Brigham Personalized Medicine
Classification: Uncertain significance. Last evaluated: 2021-12-13. Review status: criteria provided, single submitter. Criteria: ACMG Guidelines, 2015. Collection method: clinical testing. Allele origin: germline.
Comment: The p.Thr436Ala variant in PCDH15 has not been previously reported in individuals with hearing loss or Usher syndrome but has been identified in 0.02176% (4/18386) of East Asian chromosomes by gnomAD. This variant has also been reported in ClinVar (Variation ID 990890). Computational prediction tools and conservation analyses suggest that this variant may impact the protein, though this information is not predictive enough to determine pathogenicity. In summary, the clinical significance of this variant is uncertain. ACMG/AMP Criteria applied: PM2_Supporting, PP3.

GeneDx
Classification: Uncertain significance. Last evaluated: 2020-08-12. Review status: criteria provided, single submitter. Criteria: GeneDx Variant Classification Process June 2021. Collection method: clinical testing. Allele origin: germline. Affected: yes.
Comment: In silico analysis supports that this missense variant has a deleterious effect on protein structure/function; Has not been previously published as pathogenic or benign to our knowledge

Natera, Inc.
Classification: Uncertain significance for Usher syndrome type 1F. Last evaluated: 2020-04-10. Review status: no assertion criteria provided. Collection method: clinical testing. Allele origin: germline. Not counted in ClinVar's aggregate classification.

NM_001384140.1(PCDH15):c.1306A>G (p.Thr436Ala)

Gene: PCDH15 (protocadherin related 15; minus strand). Cytogenetic location: 10q21.1.
Variant type: single nucleotide variant.
Coding change: c.1306A>G on transcript NM_001384140.1 (MANE Select); coding-DNA position 1306, A replaced by G.
Protein change: p.Thr436Ala; replaces threonine 436 with alanine.
Molecular consequence: missense variant.
Genome position (GRCh38, 1-based): chr10:54,185,268, T>C on the plus strand (A>G on the coding strand, the complement: PCDH15 is on the minus strand). VCF-style: chr10-54185268-T-C. GRCh37 (hg19) VCF-style: chr10-55945028-T-C.
Other names: c.1321A>G, p.Thr441Ala (NM_001142763.2, NM_001142771.2); c.1306A>G, p.Thr436Ala (NM_001142764.2, NM_001142765.2, NM_001142766.2 and 6 more transcripts); c.1195A>G, p.Thr399Ala (NM_001142767.2); c.1240A>G, p.Thr414Ala (NM_001142768.2, NM_001142773.2, NM_001354404.2); c.1342A>G, p.Thr448Ala (NM_001142769.4); c.1327A>G, p.Thr443Ala (NM_001354411.2); short protein forms T399A, T414A, T436A, T441A, T443A, T448A.
Identifiers: ClinVar variation 990890 (VCV000990890.8), dbSNP rs747795209, ClinGen allele CA5506412.